The following is an entry in ClinVar:

NM_004380.3(CREBBP):c.2658T>C (p.Thr886=)

Gene: CREBBP (CREB binding lysine acetyltransferase; minus strand). Cytogenetic location: 16p13.3.
Variant type: single nucleotide variant.
Coding change: c.2658T>C on transcript NM_004380.3 (MANE Select); coding-DNA position 2658, T replaced by C.
Protein change: p.Thr886=; no amino-acid change (threonine 886 retained).
Molecular consequence: synonymous variant.
Genome position (GRCh38, 1-based): chr16:3,770,792, A>G on the plus strand (T>C on the coding strand, the complement: CREBBP is on the minus strand). VCF-style: chr16-3770792-A-G. GRCh37 (hg19) VCF-style: chr16-3820793-A-G.
Other names: c.2544T>C, p.Thr848= (NM_001079846.1).
Identifiers: ClinVar variation 4982595 (VCV004982595.1).

ClinVar aggregate classification (germline): Likely benign (1 of 4 stars; one submission).

Conditions:
CREBBP-related disorder. Also called: CREBBP-related condition; CREBBP-related disorders.

gnomAD v4.1: 6 of 1,613,858 alleles (0.00037%); highest among the groups gnomAD compares: Non-Finnish European, 0.00051%; no homozygotes.

Submission:

PreventionGenetics, part of Exact Sciences
Classification: Likely benign for CREBBP-related condition. Last evaluated: 2026-03-22. Review status: criteria provided, single submitter. Criteria: ACMG Guidelines, 2015. Collection method: clinical testing. Allele origin: germline.
Comment: This variant is classified as likely benign based on ACMG/AMP sequence variant interpretation guidelines (Richards et al. 2015 PMID: 25741868, with internal and published modifications).